The following is an entry in ClinVar:

NM_007294.4(BRCA1):c.118G>C (p.Asp40His)

Gene: BRCA1 (BRCA1 DNA repair associated; minus strand). Cytogenetic location: 17q21.31.
Variant type: single nucleotide variant.
Coding change: c.118G>C on transcript NM_007294.4 (MANE Select); coding-DNA position 118, G replaced by C.
Protein change: p.Asp40His; replaces aspartic acid 40 with histidine.
Molecular consequence: missense variant. On other transcripts: non-coding transcript variant (1), intron variant (1).
Genome position (GRCh38, 1-based): chr17:43,115,742, C>G on the plus strand (G>C on the coding strand, the complement: BRCA1 is on the minus strand). VCF-style: chr17-43115742-C-G. GRCh37 (hg19) VCF-style: chr17-41267759-C-G.
Other names: c.118G>C, p.Asp40His (NM_001407619.1, NM_001407620.1, NM_001407621.1 and 192 more transcripts); c.-140G>C (NM_001407694.1, NM_001407696.1, NM_001407724.1 and 13 more transcripts); c.-144G>C (NM_001407695.1, NM_001408465.1); c.-24G>C (NM_001407697.1, NM_001407725.1, NM_001407728.1 and 47 more transcripts); c.-20G>C (NM_001407841.1); c.-71G>C (NM_001407853.1, NM_001407879.1, NM_001407882.1 and 52 more transcripts); c.-187G>C (NM_001407889.1, NM_001407900.1, NM_001408492.1); c.-186G>C (NM_001407960.1, NM_001407962.1, NM_001408510.1 and 1 more transcripts); and 2 more; short protein forms D40H.
Identifiers: ClinVar variation 867817 (VCV000867817.3), dbSNP rs879255290, ClinGen allele CA10601924.

Conditions:
Breast-ovarian cancer, familial, susceptibility to, 1 (BROVCA1). Also called: BRCA1 Hereditary Breast and Ovarian Cancer; OVARIAN CANCER, SUSCEPTIBILITY TO. Identifiers: Orphanet 145, MedGen C2676676, MONDO:0011450, OMIM 604370. Disease mechanism: loss of function.

Submission:

Brotman Baty Institute, University of Washington
No classification provided (evidence only). Condition: Breast-ovarian cancer, familial 1. Review status: no classification provided. Collection method: in vitro. Allele origin: not applicable. Functional consequence: functionally_normal.
ClinVar note: "not provided" was previously submitted as the classification for the variant. However, the classification appeared to be based only on an observation of functional data so it was converted to no classification on 2025-07-30.